The following is an entry in ClinVar:

NM_015378.4(VPS13D):c.8672C>G (p.Ala2891Gly)

Gene: VPS13D (vacuolar protein sorting 13 homolog D; plus strand). Cytogenetic location: 1p36.22.
Variant type: single nucleotide variant.
Coding change: c.8672C>G on transcript NM_015378.4 (MANE Select); coding-DNA position 8672, C replaced by G.
Protein change: p.Ala2891Gly; replaces alanine 2891 with glycine.
Molecular consequence: missense variant.
Genome position (GRCh38, 1-based): chr1:12,341,825, C>G. VCF-style: chr1-12341825-C-G. GRCh37 (hg19) VCF-style: chr1-12401882-C-G.
Other names: c.8597C>G, p.Ala2866Gly (NM_018156.4); short protein forms A2866G, A2891G.
Identifiers: ClinVar variation 2000751 (VCV002000751.4), dbSNP rs765658599, ClinGen allele CA338489482.
Genomic context (GRCh38, chr1:12,341,825, plus strand): 5'-TTCTGTTTGTCGTAGCAGAGGTGAAAACCCCCAAGCGCCGGCAGCCATTTGTCCCCTTTG[C>G]TCTGAGGAACCACACGGGGTGCACTTTGTGGTTTGCCACCCTGACCACCACACCCACCAG-3'
Protein context (NP_056193.2, residues 2881-2901): PKRRQPFVPF[Ala2891Gly]LRNHTGCTLW

ClinVar aggregate classification (germline): Uncertain significance (1 of 4 stars; one submission).

Submission:

Labcorp Genetics (formerly Invitae), Labcorp
Classification: Uncertain significance. Last evaluated: 2022-11-01. Review status: criteria provided, single submitter. Criteria: Invitae Variant Classification Sherloc (09022015). Collection method: clinical testing. Allele origin: germline.
Comment: This sequence change replaces alanine, which is neutral and non-polar, with glycine, which is neutral and non-polar, at codon 2891 of the VPS13D protein (p.Ala2891Gly). In summary, the available evidence is currently insufficient to determine the role of this variant in disease. Therefore, it has been classified as a Variant of Uncertain Significance. Advanced modeling of protein sequence and biophysical properties (such as structural, functional, and spatial information, amino acid conservation, physicochemical variation, residue mobility, and thermodynamic stability) performed at Invitae indicates that this missense variant is expected to disrupt VPS13D protein function. This variant has not been reported in the literature in individuals affected with VPS13D-related conditions. This variant is not present in population databases (gnomAD no frequency).